The following is an entry in ClinVar:

ClinVar aggregate classification (germline): Likely benign. Review status: criteria provided, multiple submitters, no conflicts (2 of 4 stars). 3 submissions from 3 submitters: Likely benign (2). 1 of the submissions does not count toward it. Last evaluated 2025-08-29.

Conditions:
NTRK1-related disorder. Also called: NTRK1-related condition.
Hereditary insensitivity to pain with anhidrosis (CIPA). Also called: hereditary sensory and autonomic neuropathy type 4; NTRK1 Congenital Insensitivity to Pain with Anhidrosis; HSAN Type IV; NEUROPATHY, CONGENITAL SENSORY, WITH ANHIDROSIS; INSENSITIVITY TO PAIN, CONGENITAL, WITH ANHIDROSIS; FAMILIAL DYSAUTONOMIA, TYPE II. Identifiers: Orphanet 642, MedGen C0020074, MONDO:0009746, OMIM 256800.

Allele frequency attached by ClinVar (database versions not stated): ExAC 0.00001; gnomAD 0.00003 and 0.00004; gnomAD exomes 0.00004; TOPMed 0.00005; ESP Exome Variant Server 0.00008.
gnomAD v4.1: 66 of 1,613,870 alleles (0.0041%); highest among the groups gnomAD compares: Middle Eastern, 0.016%; no homozygotes.

Submissions (3):

PreventionGenetics, part of Exact Sciences
Classification: Likely benign for NTRK1-related condition. Last evaluated: 2025-08-29. Review status: criteria provided, single submitter. Criteria: ACMG Guidelines, 2015. Collection method: clinical testing. Allele origin: germline.
Comment: This variant is classified as likely benign based on ACMG/AMP sequence variant interpretation guidelines (Richards et al. 2015 PMID: 25741868, with internal and published modifications).

Labcorp Genetics (formerly Invitae), Labcorp
Classification: Likely benign for Hereditary insensitivity to pain with anhidrosis. Last evaluated: 2025-02-02. Review status: criteria provided, single submitter. Criteria: Invitae Variant Classification Sherloc (09022015). Collection method: clinical testing. Allele origin: germline.

Natera, Inc.
Classification: Likely benign for Hereditary insensitivity to pain with anhidrosis. Last evaluated: 2020-03-26. Review status: no assertion criteria provided. Collection method: clinical testing. Allele origin: germline. Not counted in ClinVar's aggregate classification.

NM_002529.4(NTRK1):c.1902C>T (p.Val634=)

Gene: NTRK1 (neurotrophic receptor tyrosine kinase 1; plus strand). Cytogenetic location: 1q23.1.
Variant type: single nucleotide variant.
Coding change: c.1902C>T on transcript NM_002529.4 (MANE Select); coding-DNA position 1902, C replaced by T.
Protein change: p.Val634=; no amino-acid change (valine 634 retained).
Molecular consequence: synonymous variant.
Genome position (GRCh38, 1-based): chr1:156,879,218, C>T. VCF-style: chr1-156879218-C-T. GRCh37 (hg19) VCF-style: chr1-156849010-C-T.
Other names: c.1794C>T, p.Val598= (NM_001007792.1); c.1884C>T, p.Val628= (NM_001012331.2); c.1902C>T (NM_002529.3).
Identifiers: ClinVar variation 710538 (VCV000710538.14), dbSNP rs148270992, ClinGen allele CA1169510.